The following is an entry in ClinVar:

NM_001009944.3(PKD1):c.6561G>A (p.Trp2187Ter)

Gene: PKD1 (polycystin 1, transient receptor potential channel interacting; minus strand). Cytogenetic location: 16p13.3.
Variant type: single nucleotide variant.
Coding change: c.6561G>A on transcript NM_001009944.3 (MANE Select); coding-DNA position 6561, G replaced by A.
Protein change: p.Trp2187Ter; replaces tryptophan 2187 with a stop codon.
Molecular consequence: nonsense.
Genome position (GRCh38, 1-based): chr16:2,108,606, C>T on the plus strand (G>A on the coding strand, the complement: PKD1 is on the minus strand). VCF-style: chr16-2108606-C-T. GRCh37 (hg19) VCF-style: chr16-2158607-C-T.
Other names: c.6561G>A, p.Trp2187Ter (NM_000296.4); short protein forms W2187*.
Identifiers: ClinVar variation 3579354 (VCV003579354.3).

ClinVar aggregate classification (germline): Pathogenic. Review status: criteria provided, multiple submitters, no conflicts (2 of 4 stars). 2 submissions from 2 submitters: Pathogenic (2). Last evaluated 2025-06-25.

Conditions:
Polycystic kidney disease, adult type (PKD1). Also called: Polycystic Kidney Disease 1, Autosomal Dominant; Polycystic kidney disease 1; Polycystic kidney disease 1, severe; POLYCYSTIC KIDNEY DISEASE 1 WITH OR WITHOUT POLYCYSTIC LIVER DISEASE; POLYCYSTIC KIDNEY DISEASE, ADULT, TYPE I; Polycystic Kidney, Autosomal Dominant. Identifiers: MedGen C3149841, MONDO:0008263, OMIM 173900.

Submissions (2):

Victorian Clinical Genetics Services, Murdoch Childrens Research Institute
Classification: Pathogenic for Polycystic kidney disease, adult type. Last evaluated: 2025-06-25. Review status: criteria provided, single submitter. Criteria: ACMG Guidelines, 2015. Collection method: clinical testing. Allele origin: germline. Affected: yes.
Comment: This variant is classified as Pathogenic. Evidence in support of pathogenic classification: Variant is predicted to cause nonsense-mediated decay (NMD) and loss of protein (premature termination codon is located at least 54 nucleotides upstream of the final exon-exon junction); Variant is present in gnomAD <0.001 for a dominant condition (v4: 1 heterozygote(s), 0 homozygote(s)). The variant in gnomAD is an alternative nucleotide substitution that results in the same predicted protein outcome; This variant has limited previous evidence of pathogenicity in an unrelated individual(s). This variant and an alternative nucleotide substitution resulting in the same predicted protein outcome have been classified as pathogenic by clinical laboratories in ClinVar; Other NMD-predicted variant(s) comparable to the one identified in this case have very strong previous evidence for pathogenicity (DECIPHER). Additional information: This variant is heterozygous; This gene is associated with autosomal dominant disease. Polycystic kidney disease 1 (MIM#173900) is predominantly caused by monoallelic variants, with rare reports of biallelic variants causing disease (OMIM); Loss of function is a known mechanism of disease in this gene and is associated with polycystic kidney disease 1 (MIM#173900); Inheritance information for this variant is not currently available in this individual.

Fulgent Genetics
Classification: Pathogenic for Polycystic kidney disease, adult type. Last evaluated: 2024-04-23. Review status: criteria provided, single submitter. Criteria: ACMG Guidelines, 2015. Collection method: clinical testing. Allele origin: germline.